The following is an entry in ClinVar:

ClinVar aggregate classification (germline): Likely benign (1 of 4 stars; one submission).

Conditions:
Developmental and epileptic encephalopathy, 59. Also called: Early infantile epileptic encephalopathy 59. Identifiers: MedGen C4693550, MONDO:0033368, OMIM 617904.

Allele frequency attached by ClinVar (database versions not stated): gnomAD exomes below 0.00001; TOPMed below 0.00001.
gnomAD v4.1: 3 of 1,607,952 alleles (0.00019%); highest among the groups gnomAD compares: East Asian, 0.0022%; no homozygotes.

Submission:

Laboratory of Medical Genetics, National & Kapodistrian University of Athens
Classification: Likely benign for Developmental and epileptic encephalopathy, 59. Last evaluated: 2022-04-14. Review status: criteria provided, single submitter. Criteria: ACMG Guidelines, 2015. Collection method: clinical testing. Allele origin: paternal. Affected: yes.
Comment: PM2, PP3, BS2

NM_005458.8(GABBR2):c.1684G>A (p.Val562Met)

Gene: GABBR2 (gamma-aminobutyric acid type B receptor subunit 2; minus strand). Cytogenetic location: 9q22.33.
Variant type: single nucleotide variant.
Coding change: c.1684G>A on transcript NM_005458.8 (MANE Select); coding-DNA position 1684, G replaced by A.
Protein change: p.Val562Met; replaces valine 562 with methionine.
Molecular consequence: missense variant.
Genome position (GRCh38, 1-based): chr9:98,371,550, C>T on the plus strand (G>A on the coding strand, the complement: GABBR2 is on the minus strand). VCF-style: chr9-98371550-C-T. GRCh37 (hg19) VCF-style: chr9-101133832-C-T.
Other names: short protein forms V562M.
Identifiers: ClinVar variation 1708095 (VCV001708095.1), dbSNP rs1831782841, ClinGen allele CA374208259.